The following is an entry in ClinVar:

NM_130384.3(ATRIP):c.1807G>T (p.Val603Leu)

Genes: ATRIP (ATR interacting protein; plus strand), ATRIP-TREX1 (ATRIP-TREX1 readthrough; plus strand). Cytogenetic location: 3p21.31.
Variant type: single nucleotide variant.
Coding change: c.1807G>T on transcript NM_130384.3 (MANE Select); coding-DNA position 1807, G replaced by T.
Protein change: p.Val603Leu; replaces valine 603 with leucine.
Molecular consequence: missense variant. On other transcripts: non-coding transcript variant (1).
Genome position (GRCh38, 1-based): chr3:48,463,806, G>T. VCF-style: chr3-48463806-G-T. GRCh37 (hg19) VCF-style: chr3-48505205-G-T.
Other names: c.1426G>T, p.Val476Leu (NM_001271022.2); c.1528G>T, p.Val510Leu (NM_001271023.2); c.1807G>T, p.Val603Leu (NM_032166.4); short protein forms V476L, V603L, V510L.
Identifiers: ClinVar variation 3977165 (VCV003977165.1).
Genomic context (GRCh38, chr3:48,463,806, plus strand): 5'-TTCCAGTGTGTGTTCCAAGTGCTGCCAAAGTGCCTCAGCCCAGAGACACCCCTGCCTAGC[G>T]TGCTGCTGGCTGTTGAGCTCCTCTCCCTGCTGGCGGACCACGACCAGCTGGCACCTCAGC-3'
Protein context (NP_569055.1, residues 593-613): CLSPETPLPS[Val603Leu]LLAVELLSLL

ClinVar aggregate classification (germline): Uncertain significance (1 of 4 stars; one submission).

gnomAD v4.1: 2 of 1,614,140 alleles (0.00012%); highest among the groups gnomAD compares: Non-Finnish European, 0.00017%; no homozygotes.

Submission:

Ambry Genetics
Classification: Uncertain significance. Last evaluated: 2025-06-10. Review status: criteria provided, single submitter. Criteria: Ambry Variant Classification Scheme 2023. Collection method: clinical testing. Allele origin: germline.
Comment: The p.V603L variant (also known as c.1807G>T), located in coding exon 9 of the ATRIP gene, results from a G to T substitution at nucleotide position 1807. The valine at codon 603 is replaced by leucine, an amino acid with highly similar properties. This amino acid position is conserved. In addition, this alteration is predicted to be tolerated by in silico analysis. Based on the available evidence, the clinical significance of this variant remains unclear.